The following is an entry in ClinVar:

NM_080425.4(GNAS):c.1299_1334del (p.Ala436_Pro447del)

Gene: GNAS (GNAS complex locus; plus strand). Cytogenetic location: 20q13.32.
Variant type: Deletion.
Coding change: c.1299_1334del on transcript NM_080425.4 (MANE Plus Clinical); coding-DNA positions 1299 to 1334, 36 bases deleted.
Protein change: p.Ala436_Pro447del.
Molecular consequence: inframe deletion. On other transcripts: intron variant (3).
Genome position (GRCh38, 1-based): chr20:58,854,564-58,854,599, 36 bases deleted; deleting any 36 consecutive bases within chr20:58,854,542-58,854,599 gives the same sequence; the c. name uses the placement nearest the transcript's 3' end. GRCh37 (hg19): chr20:57,429,619-57,429,654.
Other names: c.1112_1147del, p.Gln371_Gly382del (NM_001077490.3, NM_001309883.1); c.1299_1334del, p.Ala436_Pro447del (NM_001410913.1); c.*42+13678_*42+13713del (NM_016592.5); c.43+13678_43+13713del (NM_001410912.1); c.-39+12689_-39+12724del (NM_001309861.2).
Identifiers: ClinVar variation 3043395 (VCV003043395.2), dbSNP rs745913170, ClinGen allele CA9926662.

ClinVar aggregate classification (germline): Likely benign (0 of 4 stars; one submission).

Conditions:
GNAS-related disorder. Identifiers: MedGen CN380105.

Submission:

PreventionGenetics, part of Exact Sciences
Classification: Likely benign for GNAS-related condition. Last evaluated: 2022-04-12. Review status: no assertion criteria provided. Collection method: clinical testing. Allele origin: germline.
Comment: This variant is classified as likely benign based on ACMG/AMP sequence variant interpretation guidelines (Richards et al. 2015 PMID: 25741868, with internal and published modifications).